The following is an entry in ClinVar:

ClinVar aggregate classification (germline): Uncertain significance. Review status: criteria provided, multiple submitters, no conflicts (2 of 4 stars). 3 submissions from 3 submitters: Uncertain significance (3). Last evaluated 2023-07-27.

Conditions:
Hereditary cancer-predisposing syndrome. Also called: Neoplastic Syndromes, Hereditary; Tumor predisposition; Hereditary neoplastic syndrome; Hereditary Cancer Syndrome. Identifiers: Orphanet 140162, MedGen C0027672, MeSH D009386, MONDO:0015356.
Multiple endocrine neoplasia, type 1 (MEN1). Also called: MEA I; MEN I; WERMER SYNDROME; Endocrine adenomatosis multiple; MEN 1. Identifiers: Orphanet 652, MedGen C0025267, MeSH D018761, MONDO:0007540, OMIM 131100.

Allele frequency attached by ClinVar (database versions not stated): gnomAD 0.00001.
gnomAD v4.1: 10 of 1,613,896 alleles (0.00062%); no homozygotes.

Submissions (3):

Baylor Genetics
Classification: Uncertain significance for Multiple Endocrine Neoplasia Type 1. Last evaluated: 2023-07-27. Review status: criteria provided, single submitter. Criteria: ACMG Guidelines, 2015. Collection method: clinical testing. Allele origin: unknown.

Labcorp Genetics (formerly Invitae), Labcorp
Classification: Uncertain significance for Multiple endocrine neoplasia, type 1. Last evaluated: 2022-10-31. Review status: criteria provided, single submitter. Criteria: Invitae Variant Classification Sherloc (09022015). Collection method: clinical testing. Allele origin: germline.
Comment: This sequence change replaces asparagine, which is neutral and polar, with threonine, which is neutral and polar, at codon 374 of the MEN1 protein (p.Asn374Thr). This variant is present in population databases (rs755168633, gnomAD 0.02%). This variant has not been reported in the literature in individuals affected with MEN1-related conditions. Algorithms developed to predict the effect of missense changes on protein structure and function (SIFT, PolyPhen-2, Align-GVGD) all suggest that this variant is likely to be tolerated. In summary, the available evidence is currently insufficient to determine the role of this variant in disease. Therefore, it has been classified as a Variant of Uncertain Significance.

Ambry Genetics
Classification: Uncertain significance for Hereditary cancer-predisposing syndrome. Last evaluated: 2019-12-03. Review status: criteria provided, single submitter. Criteria: Ambry Variant Classification Scheme 2023. Collection method: clinical testing. Allele origin: germline.
Comment: The p.N374T variant (also known as c.1121A>C), located in coding exon 7 of the MEN1 gene, results from an A to C substitution at nucleotide position 1121. The asparagine at codon 374 is replaced by threonine, an amino acid with similar properties. This amino acid position is not well conserved in available vertebrate species. In addition, the in silico prediction for this alteration is inconclusive. Since supporting evidence is limited at this time, the clinical significance of this alteration remains unclear.

NM_001370259.2(MEN1):c.1121A>C (p.Asn374Thr)

Gene: MEN1 (menin 1; minus strand). Cytogenetic location: 11q13.1.
Variant type: single nucleotide variant.
Coding change: c.1121A>C on transcript NM_001370259.2 (MANE Select); coding-DNA position 1121, A replaced by C.
Protein change: p.Asn374Thr; replaces asparagine 374 with threonine.
Molecular consequence: missense variant.
Genome position (GRCh38, 1-based): chr11:64,805,699, T>G on the plus strand (A>C on the coding strand, the complement: MEN1 is on the minus strand). VCF-style: chr11-64805699-T-G. GRCh37 (hg19) VCF-style: chr11-64573171-T-G.
Other names: c.1136A>C, p.Asn379Thr (NM_000244.4, NM_001407145.1, NM_130800.3 and 4 more transcripts); c.1247A>C, p.Asn416Thr (NM_001370251.2, NM_001407142.1, NM_001407143.1 and 1 more transcripts); c.1121A>C, p.Asn374Thr (NM_001370260.2, NM_001370261.2, NM_001407146.1 and 3 more transcripts); c.1016A>C, p.Asn339Thr (NM_001370262.2, NM_001370263.2, NM_001407148.1 and 1 more transcripts); c.1262A>C, p.Asn421Thr (NM_001407150.1); c.1142A>C, p.Asn381Thr (NM_001407151.1); short protein forms N339T, N381T, N374T, N416T, N421T, N379T.
Identifiers: ClinVar variation 1797816 (VCV001797816.6), dbSNP rs755168633, ClinGen allele CA059969.